The following is an entry in ClinVar:

NM_032638.5(GATA2):c.824C>A (p.Ala275Asp)

Gene: GATA2 (GATA binding protein 2; minus strand). Cytogenetic location: 3q21.3.
Variant type: single nucleotide variant.
Coding change: c.824C>A on transcript NM_032638.5 (MANE Select); coding-DNA position 824, C replaced by A.
Protein change: p.Ala275Asp; replaces alanine 275 with aspartic acid.
Molecular consequence: missense variant.
Genome position (GRCh38, 1-based): chr3:128,485,774, G>T on the plus strand (C>A on the coding strand, the complement: GATA2 is on the minus strand). VCF-style: chr3-128485774-G-T. GRCh37 (hg19) VCF-style: chr3-128204617-G-T.
Other names: c.824C>A, p.Ala275Asp (NM_001145661.2, NM_001145662.1); short protein forms A275D.
Identifiers: ClinVar variation 3519007 (VCV003519007.1).
Genomic context (GRCh38, chr3:128,485,774, plus strand): 5'-CACCTGCCTTTACCTGAACAGGAACGAGCCTTGCTGCGCTGCTTAGGGGTGAAGCTGGAG[G>T]CCGGTCCCCCCAGGAAGCCTCCGGGGTGGAAGAGTCCGCTGCTGTAGTCGTGGGCAGCCG-3'
Protein context (NP_116027.2, residues 265-285): FHPGGFLGGP[Ala275Asp]SSFTPKQRSK

ClinVar aggregate classification (germline): Uncertain significance (1 of 4 stars; one submission).

Conditions:
Inborn genetic diseases. Identifiers: MedGen C0950123, MeSH D030342.

gnomAD v4.1: 1 of 1,613,856 alleles (0.000062%); highest among the groups gnomAD compares: Non-Finnish European, 0.000085%; no homozygotes.

Submission:

Ambry Genetics
Classification: Uncertain significance for Inborn genetic diseases. Last evaluated: 2024-12-08. Review status: criteria provided, single submitter. Criteria: Ambry Variant Classification Scheme 2023. Collection method: clinical testing. Allele origin: germline.
Comment: The p.A275D variant (also known as c.824C>A), located in coding exon 2 of the GATA2 gene, results from a C to A substitution at nucleotide position 824. The alanine at codon 275 is replaced by aspartic acid, an amino acid with dissimilar properties. This amino acid position is conserved. In addition, the in silico prediction for this alteration is inconclusive. Based on the available evidence, the clinical significance of this variant remains unclear.